The following is an entry in ClinVar:

NM_001252024.2(TRPM1):c.1342G>C (p.Gly448Arg)

Gene: TRPM1 (transient receptor potential cation channel subfamily M member 1; minus strand). Cytogenetic location: 15q13.3.
Variant type: single nucleotide variant.
Coding change: c.1342G>C on transcript NM_001252024.2 (MANE Select); coding-DNA position 1342, G replaced by C.
Protein change: p.Gly448Arg; replaces glycine 448 with arginine.
Molecular consequence: missense variant.
Genome position (GRCh38, 1-based): chr15:31,050,504, C>G on the plus strand (G>C on the coding strand, the complement: TRPM1 is on the minus strand). VCF-style: chr15-31050504-C-G. GRCh37 (hg19) VCF-style: chr15-31342707-C-G.
Other names: c.1393G>C, p.Gly465Arg (NM_001252020.2); c.1276G>C, p.Gly426Arg (NM_002420.6); short protein forms G448R, G426R, G465R.
Identifiers: ClinVar variation 1462691 (VCV001462691.6), dbSNP rs73372436, ClinGen allele CA391517837.
Genomic context (GRCh38, chr15:31,050,504, plus strand): 5'-CTTCCTCCACTTCCTCTTTCACTTTCCCTTTCTTCTTGCCTTTCCCTTTTCCTCTTCCTC[C>G]CTTGGTGGTGGCCATGGGTGGCTTCTTCTCCTTCTCCGTGGCTTTGCTGTCCGTCGGGGG-3'
Protein context (NP_001238953.1, residues 438-458): EKKPPMATTK[Gly448Arg]GRGKGKGKKK

ClinVar aggregate classification (germline): Uncertain significance (1 of 4 stars; one submission).

gnomAD v4.1: 23 of 1,613,994 alleles (0.0014%); highest among the groups gnomAD compares: East Asian, 0.051%; no homozygotes.

Submission:

Labcorp Genetics (formerly Invitae), Labcorp
Classification: Uncertain significance. Last evaluated: 2025-11-03. Review status: criteria provided, single submitter. Criteria: Invitae Variant Classification Sherloc (09022015). Collection method: clinical testing. Allele origin: germline.
Comment: This sequence change replaces glycine, which is neutral and non-polar, with arginine, which is basic and polar, at codon 426 of the TRPM1 protein (p.Gly426Arg). This variant is present in population databases (no rsID available, gnomAD 0.06%). This variant has not been reported in the literature in individuals affected with TRPM1-related conditions. ClinVar contains an entry for this variant (Variation ID: 1462691). Invitae Evidence Modeling of protein sequence and biophysical properties (such as structural, functional, and spatial information, amino acid conservation, physicochemical variation, residue mobility, and thermodynamic stability) indicates that this missense variant is not expected to disrupt TRPM1 protein function with a negative predictive value of 95%. In summary, the available evidence is currently insufficient to determine the role of this variant in disease. Therefore, it has been classified as a Variant of Uncertain Significance.